The following is an entry in ClinVar:

ClinVar aggregate classification (germline): Likely pathogenic (1 of 4 stars; one submission).

Allele frequency attached by ClinVar (database versions not stated): gnomAD exomes below 0.00001.
gnomAD v4.1: 1 of 1,610,984 alleles (0.000062%); highest among the groups gnomAD compares: Non-Finnish European, 0.000085%; no homozygotes.

Submission:

Labcorp Genetics (formerly Invitae), Labcorp
Classification: Likely pathogenic. Last evaluated: 2024-07-24. Review status: criteria provided, single submitter. Criteria: Invitae Variant Classification Sherloc (09022015). Collection method: clinical testing. Allele origin: germline.
Comment: This sequence change affects an acceptor splice site in intron 19 of the TUBGCP6 gene. It is expected to disrupt RNA splicing. Variants that disrupt the donor or acceptor splice site typically lead to a loss of protein function (PMID: 16199547), and loss-of-function variants in TUBGCP6 are known to be pathogenic (PMID: 25344692). This variant is present in population databases (no rsID available, gnomAD 0.0009%). This variant has not been reported in the literature in individuals affected with TUBGCP6-related conditions. ClinVar contains an entry for this variant (Variation ID: 1491867). Algorithms developed to predict the effect of sequence changes on RNA splicing suggest that this variant may disrupt the consensus splice site. In summary, the currently available evidence indicates that the variant is pathogenic, but additional data are needed to prove that conclusively. Therefore, this variant has been classified as Likely Pathogenic.

Literature cited by the submitters: PubMed 16199547; PubMed 25344692.

NM_020461.4(TUBGCP6):c.4485-1G>A

Gene: TUBGCP6 (tubulin gamma complex component 6; minus strand). Cytogenetic location: 22q13.33.
Variant type: single nucleotide variant.
Coding change: c.4485-1G>A on transcript NM_020461.4 (MANE Select); the canonical splice acceptor site of the intron before coding-DNA position 4485, G replaced by A.
Molecular consequence: splice acceptor variant.
Genome position (GRCh38, 1-based): chr22:50,219,210, C>T on the plus strand (G>A on the coding strand, the complement: TUBGCP6 is on the minus strand). VCF-style: chr22-50219210-C-T. GRCh37 (hg19) VCF-style: chr22-50657639-C-T.
Identifiers: ClinVar variation 1491867 (VCV001491867.6), dbSNP rs1362074591, ClinGen allele CA412170884.
Genomic context (GRCh38, chr22:50,219,210, plus strand): 5'-GCCTCCAGGTGCAGCTCCACGAAGAAGTAGTCGACAGCGGCCTTGTTCACCAAGGAGATG[C>T]TGGCAGGAGGGAGCTGGAGTCAGGGCGGGCCAGGACGGGCTGGGTGGGCAGACTGGCGCA-3'